The following is an entry in ClinVar:

ClinVar aggregate classification (germline): Likely benign (0 of 4 stars; one submission).

Conditions:
SFTPA1-related disorder. Also called: SFTPA1-related condition.

Submission:

PreventionGenetics, part of Exact Sciences
Classification: Likely benign for SFTPA1-related condition. Last evaluated: 2021-06-02. Review status: no assertion criteria provided. Collection method: clinical testing. Allele origin: germline.
Comment: This variant is classified as likely benign based on ACMG/AMP sequence variant interpretation guidelines (Richards et al. 2015 PMID: 25741868, with internal and published modifications).

NM_005411.5(SFTPA1):c.477C>A (p.Gly159=)

Gene: SFTPA1 (surfactant protein A1; plus strand). Cytogenetic location: 10q22.3.
Variant type: single nucleotide variant.
Coding change: c.477C>A on transcript NM_005411.5 (MANE Select); coding-DNA position 477, C replaced by A.
Protein change: p.Gly159=; no amino-acid change (glycine 159 retained).
Molecular consequence: synonymous variant.
Genome position (GRCh38, 1-based): chr10:79,613,843, C>A. VCF-style: chr10-79613843-C-A. GRCh37 (hg19) VCF-style: chr10-81373599-C-A.
Other names: c.522C>A, p.Gly174= (NM_001093770.3); c.477C>A, p.Gly159= (NM_001164644.2, NM_001164647.1); c.375C>A, p.Gly125= (NM_001164645.2); c.330C>A, p.Gly110= (NM_001164646.2).
Identifiers: ClinVar variation 3029769 (VCV003029769.2), dbSNP rs773848066, ClinGen allele CA470651003.